The following is an entry in ClinVar:

ClinVar aggregate classification (germline): Conflicting classifications of pathogenicity. Review status: criteria provided, conflicting classifications (1 of 4 stars). 7 submissions from 5 submitters: Uncertain significance (4); Likely benign (2). 1 of the submissions does not count toward it. Last evaluated 2025-09-29.

Conditions:
Familial Mediterranean fever, autosomal dominant. Also called: Dominant Familial Mediterranean Fever; FMF, AUTOSOMAL DOMINANT. Identifiers: Orphanet 342, MedGen C1851347, MONDO:0007601, OMIM 134610.
Inborn genetic diseases. Identifiers: MedGen C0950123, MeSH D030342.
Familial Mediterranean fever (FMF). Also called: POLYSEROSITIS, FAMILIAL PAROXYSMAL; POLYSEROSITIS, RECURRENT; Periodic peritonitis; Benign paroxysmal peritonitis. Identifiers: Orphanet 342, MedGen C0031069, MONDO:0018088, OMIM 249100. Disease mechanism: gain of function.
Acute febrile neutrophilic dermatosis (AFND). Also called: Sweet Syndrome; Gomm Button disease. Identifiers: Orphanet 3243, MedGen C0085077, MONDO:0011959, OMIM 608068.
Autoinflammatory syndrome. Identifiers: Orphanet 93665, MedGen C3890737, MONDO:0019751.

Allele frequency attached by ClinVar (database versions not stated): gnomAD exomes 0.00001 and below 0.00001.
gnomAD v4.1: 4 of 1,614,270 alleles (0.00025%); highest among the groups gnomAD compares: East Asian, 0.0045%; no homozygotes.

Submissions (7):

Ambry Genetics
Classification: Uncertain significance for Inborn genetic diseases. Last evaluated: 2025-09-29. Review status: criteria provided, single submitter. Criteria: Ambry Variant Classification Scheme 2023. Collection method: clinical testing. Allele origin: germline.

Genome-Nilou Lab
Classification: Uncertain significance for Familial Mediterranean fever. Last evaluated: 2023-02-08. Review status: criteria provided, single submitter. Criteria: ACMG Guidelines, 2015. Collection method: clinical testing. Allele origin: germline.

Genome-Nilou Lab
Classification: Likely benign for Familial Mediterranean fever, autosomal dominant. Last evaluated: 2023-02-08. Review status: criteria provided, single submitter. Criteria: ACMG Guidelines, 2015. Collection method: clinical testing. Allele origin: germline.

Genome-Nilou Lab
Classification: Likely benign for Acute febrile neutrophilic dermatosis. Last evaluated: 2023-02-08. Review status: criteria provided, single submitter. Criteria: ACMG Guidelines, 2015. Collection method: clinical testing. Allele origin: germline.

Labcorp Genetics (formerly Invitae), Labcorp
Classification: Uncertain significance for Familial Mediterranean fever. Last evaluated: 2021-08-31. Review status: criteria provided, single submitter. Criteria: Invitae Variant Classification Sherloc (09022015). Collection method: clinical testing. Allele origin: germline.
Comment: This sequence change replaces arginine with lysine at codon 280 of the MEFV protein (p.Arg280Lys). The arginine residue is weakly conserved and there is a small physicochemical difference between arginine and lysine. This variant is not present in population databases (ExAC no frequency). This variant has not been reported in the literature in individuals affected with MEFV-related conditions. Algorithms developed to predict the effect of missense changes on protein structure and function output the following: SIFT: "Tolerated"; PolyPhen-2: "Benign"; Align-GVGD: "Class C0". The lysine amino acid residue is found in multiple mammalian species, which suggests that this missense change does not adversely affect protein function. In summary, the available evidence is currently insufficient to determine the role of this variant in disease. Therefore, it has been classified as a Variant of Uncertain Significance.

Genome Diagnostics Laboratory, The Hospital for Sick Children
Classification: Uncertain significance for Autoinflammatory syndrome. Last evaluated: 2018-09-01. Review status: criteria provided, single submitter. Criteria: ACMG Guidelines, 2015. Collection method: clinical testing. Allele origin: germline. Affected: yes.

Natera, Inc.
Classification: Uncertain significance for Familial Mediterranean fever. Last evaluated: 2021-08-13. Review status: no assertion criteria provided. Collection method: clinical testing. Allele origin: germline. Not counted in ClinVar's aggregate classification.

NM_000243.3(MEFV):c.839G>A (p.Arg280Lys)

Gene: MEFV (MEFV innate immunity regulator, pyrin; minus strand). Cytogenetic location: 16p13.3.
Variant type: single nucleotide variant.
Coding change: c.839G>A on transcript NM_000243.3 (MANE Select); coding-DNA position 839, G replaced by A.
Protein change: p.Arg280Lys; replaces arginine 280 with lysine.
Molecular consequence: missense variant. On other transcripts: intron variant (1).
Genome position (GRCh38, 1-based): chr16:3,254,229, C>T on the plus strand (G>A on the coding strand, the complement: MEFV is on the minus strand). VCF-style: chr16-3254229-C-T. GRCh37 (hg19) VCF-style: chr16-3304229-C-T.
Other names: c.839G>A (NM_000243.2); c.277+2082G>A (NM_001198536.2); short protein forms R280K.
Identifiers: ClinVar variation 1036172 (VCV001036172.14), dbSNP rs1437746739, ClinGen allele CA394476954.
Genomic context (GRCh38, chr16:3,254,229, plus strand): 5'-TGTTCTGGATTTCCAGGGCCTTCCTTCAGGTCCGCAGATGCCCCTCCATCCGGAGTGGGC[C>T]TTGCCCGGGGTTCTGTTGCCGAGTCCAGATTCGCAGCTGTCTTTTCCTCTAGAGTCAGGA-3'
Protein context (NP_000234.1, residues 270-290): NLDSATEPRA[Arg280Lys]PTPDGGASAD